The following is an entry in ClinVar:

NM_001321075.3(DLG4):c.96+6C>A

Gene: DLG4 (discs large MAGUK scaffold protein 4; minus strand). Cytogenetic location: 17p13.1.
Variant type: single nucleotide variant.
Coding change: c.96+6C>A on transcript NM_001321075.3 (MANE Select); 6 bases into the intron after coding-DNA position 96, C replaced by A.
Molecular consequence: intron variant.
Genome position (GRCh38, 1-based): chr17:7,208,168, G>T on the plus strand (C>A on the coding strand, the complement: DLG4 is on the minus strand). VCF-style: chr17-7208168-G-T. GRCh37 (hg19) VCF-style: chr17-7111487-G-T.
Other names: c.225+6C>A (NM_001365.5, NM_001321074.1); c.96+6C>A (NM_001128827.4).
Identifiers: ClinVar variation 1679709 (VCV001679709.1), dbSNP rs769063541, ClinGen allele CA8337341.

ClinVar aggregate classification (germline): Uncertain significance (1 of 4 stars; one submission).

Conditions:
Intellectual developmental disorder 62. Also called: INTELLECTUAL DEVELOPMENTAL DISORDER, AUTOSOMAL DOMINANT 62; MENTAL RETARDATION, AUTOSOMAL DOMINANT 62. Identifiers: MedGen C5394083, MONDO:0032919, OMIM 618793.

Allele frequency attached by ClinVar (database versions not stated): gnomAD 0.00001.
gnomAD v4.1: 11 of 1,316,652 alleles (0.00084%); highest among the groups gnomAD compares: Admixed American, 0.0061%; no homozygotes.

Submission:

New York Genome Center
Classification: Uncertain significance for Intellectual developmental disorder 62. Last evaluated: 2021-05-27. Review status: criteria provided, single submitter. Criteria: NYGC Assertion Criteria 2020. Collection method: clinical testing. Allele origin: germline. Observed: 1 heterozygote. Study: CSER-NYCKidSeq.
Comment: The c.225+6C>A variant identified in the DLG4 gene substitutes a well conserved nucleotide at the +6 position within intron 4/21 of transcriptsNM_001365.4 and NM_001321074.1. This variant is also present in the coding sequence of a non-canonical expressed sequence transcript with unknown biological significance (ENST00000648896.1; c.102C>A, (p.Asn34Lys)). This variant is found with low frequency in gnomAD(v3.1.1) (2 heterozygotes, 0 homozygotes; allele frequency: 1.32e-5) suggesting it is not a common benign variant in the populations represented in that database. SpliceAI suggests there is low probability that this variant creates a donor gain 6bp downstream of the variant (delta score: 0.07), and the Transcript inferred Pathogenicity (TraP) score for this variant is 0.314 (>97.5%score-percentile) suggesting it is probably damaging to splicing. This variant is absent from ClinVar and to our current knowledge has not been reported in affected individuals in the literature. Given the lack of compelling evidence for its pathogenicity, the c.225+6C>A variant identified in the DLG4 gene is reported as a Variant of Uncertain Significance.